The following is an entry in ClinVar:

NM_000632.4(ITGAM):c.2697C>T (p.Ala899=)

Gene: ITGAM (integrin subunit alpha M; plus strand). Cytogenetic location: 16p11.2.
Variant type: single nucleotide variant.
Coding change: c.2697C>T on transcript NM_000632.4 (MANE Select); coding-DNA position 2697, C replaced by T.
Protein change: p.Ala899=; no amino-acid change (alanine 899 retained).
Molecular consequence: synonymous variant.
Genome position (GRCh38, 1-based): chr16:31,326,924, C>T. VCF-style: chr16-31326924-C-T. GRCh37 (hg19) VCF-style: chr16-31338245-C-T.
Other names: c.2700C>T, p.Ala900= (NM_001145808.2).
Identifiers: ClinVar variation 4761999 (VCV004761999.1).
Genomic context (GRCh38, chr16:31,326,924, plus strand): 5'-TAATATCACGTTTGATGTAGACTCTAAGGCTTCCCTTGGAAACAAACTGCTCCTCAAGGC[C>T]AATGTGACCAGGTGCTCTCTGCTACCAGGCTTCTGCAGGCAGTTGCCCGTCTGACGCCCC-3'
Protein context (NP_000623.2, residues 889-909): ASLGNKLLLK[Ala899=]NVTSENNMPR

ClinVar aggregate classification (germline): Uncertain significance (1 of 4 stars; one submission).

gnomAD v4.1: 1 of 1,611,766 alleles (0.000062%); highest among the groups gnomAD compares: African/African-American, 0.0013%; no homozygotes.

Submission:

Labcorp Genetics (formerly Invitae), Labcorp
Classification: Uncertain significance. Last evaluated: 2025-08-02. Review status: criteria provided, single submitter. Criteria: Invitae Variant Classification Sherloc (09022015). Collection method: clinical testing. Allele origin: germline.
Comment: This sequence change affects codon 899 of the ITGAM mRNA. It is a 'silent' change, meaning that it does not change the encoded amino acid sequence of the ITGAM protein. This variant is present in population databases (rs751954889, gnomAD 0.007%). This variant has not been reported in the literature in individuals affected with ITGAM-related conditions. Algorithms developed to predict the effect of sequence changes on RNA splicing suggest that this variant may disrupt the consensus splice site. In summary, the available evidence is currently insufficient to determine the role of this variant in disease. Therefore, it has been classified as a Variant of Uncertain Significance.